The following is an entry in ClinVar:

NM_001367624.2(ZNF469):c.11105C>T (p.Ala3702Val)

Gene: ZNF469 (zinc finger protein 469; plus strand). Cytogenetic location: 16q24.2.
Variant type: single nucleotide variant.
Coding change: c.11105C>T on transcript NM_001367624.2 (MANE Select); coding-DNA position 11105, C replaced by T.
Protein change: p.Ala3702Val; replaces alanine 3702 with valine.
Molecular consequence: missense variant.
Genome position (GRCh38, 1-based): chr16:88,438,575, C>T. VCF-style: chr16-88438575-C-T. GRCh37 (hg19) VCF-style: chr16-88504983-C-T.
Other names: NM_001127464.1:c.11021C>T; NM_001127464.2:c.11021C>T; short protein forms A3702V.
Identifiers: ClinVar variation 1792651 (VCV001792651.10), dbSNP rs773423006, ClinGen allele CA8225581.

ClinVar aggregate classification (germline): Likely benign. Review status: criteria provided, multiple submitters, no conflicts (2 of 4 stars). 4 submissions from 4 submitters: Likely benign (4). Last evaluated 2025-09-12.

Conditions:
ZNF469-related disorder. Also called: ZNF469-related condition.
Cardiovascular phenotype. Identifiers: MedGen CN230736.

Allele frequency attached by ClinVar (database versions not stated): TOPMed 0.00002; gnomAD exomes 0.00013; 1000 Genomes Project 30x 0.00031; gnomAD 0.00031.
gnomAD v4.1: 229 of 1,550,104 alleles (0.015%); highest among the groups gnomAD compares: East Asian, 0.0024%; no homozygotes.

Submissions (4):

PreventionGenetics, part of Exact Sciences
Classification: Likely benign for ZNF469-related condition. Last evaluated: 2025-09-12. Review status: criteria provided, single submitter. Criteria: ACMG Guidelines, 2015. Collection method: clinical testing. Allele origin: germline.
Comment: This variant is classified as likely benign based on ACMG/AMP sequence variant interpretation guidelines (Richards et al. 2015 PMID: 25741868, with internal and published modifications).

Ambry Genetics
Classification: Likely benign for Cardiovascular phenotype. Last evaluated: 2025-03-11. Review status: criteria provided, single submitter. Criteria: Ambry Variant Classification Scheme 2023. Collection method: clinical testing. Allele origin: germline.

Labcorp Genetics (formerly Invitae), Labcorp
Classification: Likely benign. Last evaluated: 2024-08-12. Review status: criteria provided, single submitter. Criteria: Invitae Variant Classification Sherloc (09022015). Collection method: clinical testing. Allele origin: germline.

Blueprint Genetics
Classification: Likely benign. Last evaluated: 2024-04-02. Review status: criteria provided, single submitter. Criteria: ACMG Guidelines, 2015. Collection method: clinical testing. Allele origin: germline.